The following is an entry in ClinVar:

ClinVar aggregate classification (germline): Likely pathogenic. Review status: reviewed by expert panel (3 of 4 stars). 4 submissions from 4 submitters: Likely pathogenic (1). 3 of the submissions do not count toward it. Last evaluated 2025-12-02.

Conditions:
Hereditary breast ovarian cancer syndrome. Also called: Hereditary breast and ovarian cancer syndrome (HBOC); BRCA1- and BRCA2-Associated Hereditary Breast and Ovarian Cancer; Hereditary breast and/or ovarian cancer syndrome; Hereditary breast and ovarian cancer syndrome; Hereditary breast and ovarian cancer; Breast and ovarian cancer. Identifiers: Orphanet 145, MedGen C0677776, MeSH D061325, MONDO:0003582. Disease mechanism: loss of function.
Hereditary cancer-predisposing syndrome. Also called: Neoplastic Syndromes, Hereditary; Hereditary neoplastic syndrome; Tumor predisposition; Hereditary Cancer Syndrome. Identifiers: Orphanet 140162, MedGen C0027672, MeSH D009386, MONDO:0015356.
BRCA1-related cancer predisposition. Identifiers: MedGen CN377757, MONDO:0700268.

Allele frequency attached by ClinVar (database versions not stated): gnomAD exomes below 0.00001.
gnomAD v4.1: 1 of 1,613,646 alleles (0.000062%); highest among the groups gnomAD compares: Non-Finnish European, 0.000085%; no homozygotes.

Submissions (5):

ClinGen ENIGMA BRCA1 and BRCA2 Variant Curation Expert Panel, ClinGen
Classification: Likely pathogenic for BRCA1-related cancer predisposition. Last evaluated: 2025-12-02. Review status: reviewed by expert panel. Criteria: CSpec BRCA12ACMG Rules Specifications V1.1. Collection method: curation. Allele origin: germline. Inheritance: Autosomal dominant inheritance.
Comment: The c.100C>T variant in BRCA1 is a missense variant predicted to cause substitution of Proline by Serine at amino acid 34 (p.(Pro34Ser)). This variant is absent from gnomAD v2.1 (exomes only, non-cancer subset, read depth ≥25) and gnomAD v3.1 (non-cancer subset, read depth ≥25) (PM2_Supporting met). Reported by 2 calibrated studies to exhibit protein function similar to pathogenic control variants (PMIDs: 30209399, 35659930) (PS3 met). This BRCA1 missense variant is within a key functional domain and the computational predictor BayesDel (noAF) gives a score of 0.474, above the recommended threshold of 0.28 for prediction of impact on BRCA1 function via protein change. A SpliceAI score of 0.01 predicts no impact on splicing (score threshold ≤0.1) (PP3 met). Multifactorial likelihood ratio analysis using clinically calibrated data produced a combined LR for this variant of 1.47 (based on Cosegregation LR=1.46; Family History LR=1.004), which is above the ENIGMA BRCA1/2 VCEP threshold for BP5 (>0.48) and below PP4 (<2.08) (BP5 and PP4 not met; PMID: 31853058, 35659930). In summary, this variant meets the criteria to be classified as a Likely pathogenic variant for BRCA1-related cancer predisposition based on the ACMG/AMP criteria applied as specified by the ENIGMA BRCA1/2 VCEP (PM2_Supporting, PS3, PP3).

Labcorp Genetics (formerly Invitae), Labcorp
Classification: Uncertain significance for Hereditary breast ovarian cancer syndrome. Last evaluated: 2025-10-26. Review status: criteria provided, single submitter. Criteria: Invitae Variant Classification Sherloc (09022015). Collection method: clinical testing. Allele origin: germline. Not counted in ClinVar's aggregate classification.
Comment: This sequence change replaces proline, which is neutral and non-polar, with serine, which is neutral and polar, at codon 34 of the BRCA1 protein (p.Pro34Ser). This variant is not present in population databases (gnomAD no frequency). This variant has not been reported in the literature in individuals affected with BRCA1-related conditions. ClinVar contains an entry for this variant (Variation ID: 418671). Invitae Evidence Modeling incorporating data from in vitro experimental studies (PMID: 30209399) indicates that this missense variant is expected to disrupt BRCA1 function with a positive predictive value of 95%. In summary, the available evidence is currently insufficient to determine the role of this variant in disease. Therefore, it has been classified as a Variant of Uncertain Significance.

Ambry Genetics
Classification: Likely pathogenic for Hereditary cancer-predisposing syndrome. Last evaluated: 2025-03-27. Review status: criteria provided, single submitter. Criteria: Ambry Variant Classification Scheme 2023. Collection method: clinical testing. Allele origin: germline. Not counted in ClinVar's aggregate classification.
Comment: The p.P34S variant (also known as c.100C>T), located in coding exon 2 of the BRCA1 gene, results from a C to T substitution at nucleotide position 100. The proline at codon 34 is replaced by serine, an amino acid with similar properties. One functional study found that this nucleotide substitution is non-functional in a high-throughput, genome editing, haploid cell survival assay (Findlay GM et al. Nature, 2018 10;562:217-222). In another functional study, this alteration was found to cause deficient BARD1 binding and UbCH5a binding (Caleca L et al. Cancers (Basel), 2019 Jan;11:). This variant is considered to be rare based on population cohorts in the Genome Aggregation Database (gnomAD). This amino acid position is highly conserved in available vertebrate species. In addition, this alteration is predicted to be deleterious by in silico analysis. Based on the majority of available evidence to date, this variant is likely to be pathogenic.

GeneDx
Classification: Uncertain significance. Last evaluated: 2015-03-09. Review status: criteria provided, single submitter. Criteria: GeneDx Variant Classification (06012015). Collection method: clinical testing. Allele origin: germline. Affected: yes. Not counted in ClinVar's aggregate classification.
Comment: This variant is denoted BRCA1 c.100C>T at the cDNA level, p.Pro34Ser (P34S) at the protein level, and results in the change of a Proline to a Serine (CCT>TCT). Using alternate nomenclature, this variant would be defined as BRCA1 219C>T. This variant has not, to our knowledge, been published in the literature as pathogenic or benign. BRCA1 Pro34Ser was not observed in approximately 6,500 individuals of European and African American ancestry in the NHLBI Exome Sequencing Project, indicating it is not a common benign variant in these populations. Since Proline and Serine differ in polarity, charge, size or other properties, this is considered a non-conservative amino acid substitution. BRCA1 Pro34Ser occurs at a position that is conserved across species and is located within the RING-type zinc finger domain and BARD1 interaction domain (Roy 2012). In silico analyses predict that this variant is probably damaging to protein structure and function. Based on currently available information, it is unclear whether BRCA1 Pro34Ser is pathogenic or benign. We consider it to be a variant of uncertain significance.

Brotman Baty Institute, University of Washington
No classification provided (evidence only). Condition: Breast-ovarian cancer, familial 1. Review status: no classification provided. Collection method: in vitro. Allele origin: not applicable. Functional consequence: functionally_abnormal. Not counted in ClinVar's aggregate classification.
ClinVar note: "not provided" was previously submitted as the classification for the variant. However, the classification appeared to be based only on an observation of functional data so it was converted to no classification on 2025-07-30.

Literature cited by the submitters: PubMed 30209399 (cited by Labcorp Genetics (formerly Invitae), Labcorp and Ambry Genetics); PubMed 25823446 (cited by Ambry Genetics); PubMed 30696104 (cited by Ambry Genetics).

NM_007294.4(BRCA1):c.100C>T (p.Pro34Ser)

Gene: BRCA1 (BRCA1 DNA repair associated; minus strand). Cytogenetic location: 17q21.31.
Variant type: single nucleotide variant.
Coding change: c.100C>T on transcript NM_007294.4 (MANE Select); coding-DNA position 100, C replaced by T.
Protein change: p.Pro34Ser; replaces proline 34 with serine.
Molecular consequence: missense variant. On other transcripts: non-coding transcript variant (1), intron variant (1).
Genome position (GRCh38, 1-based): chr17:43,115,760, G>A on the plus strand (C>T on the coding strand, the complement: BRCA1 is on the minus strand). VCF-style: chr17-43115760-G-A. GRCh37 (hg19) VCF-style: chr17-41267777-G-A.
Other names: NM_007294.4(BRCA1):c.100C>T; p.Pro34Ser; c.100C>T, p.Pro34Ser (NM_001408445.1, NM_001408446.1, NM_001408447.1 and 192 more transcripts); c.-42C>T (NM_001408452.1, NM_001408453.1, NM_001408458.1 and 47 more transcripts); c.-158C>T (NM_001408455.1, NM_001408456.1, NM_001408468.1 and 13 more transcripts); c.-162C>T (NM_001408465.1, NM_001407695.1); c.-89C>T (NM_001408478.1, NM_001408479.1, NM_001408480.1 and 52 more transcripts); c.-205C>T (NM_001408492.1, NM_001407889.1, NM_001407900.1); and 4 more; short protein forms P34S.
Identifiers: ClinVar variation 418671 (VCV000418671.13), dbSNP rs1064793357, ClinGen allele CA10601951.